The following is an entry in ClinVar:

ClinVar aggregate classification (germline): Uncertain significance (1 of 4 stars; one submission).

Submission:

Ambry Genetics
Classification: Uncertain significance. Last evaluated: 2026-09-06. Review status: criteria provided, single submitter. Criteria: Ambry Variant Classification Scheme 2023. Collection method: clinical testing. Allele origin: germline.
Comment: The p.Q976R variant (also known as c.2927A>G), located in coding exon 1 of the TET2 gene, results from an A to G substitution at nucleotide position 2927. The glutamine at codon 976 is replaced by arginine, an amino acid with highly similar properties. This amino acid position is conserved. In addition, this alteration is predicted to be tolerated by in silico analysis. Based on the available evidence, the clinical significance of this variant remains unclear.

NM_001127208.3(TET2):c.2927A>G (p.Gln976Arg)

Genes: TET2 (tet methylcytosine dioxygenase 2; plus strand), TET2-AS1 (TET2 antisense RNA 1; minus strand). Cytogenetic location: 4q24.
Variant type: single nucleotide variant.
Coding change: c.2927A>G on transcript NM_001127208.3 (MANE Select); coding-DNA position 2927, A replaced by G.
Protein change: p.Gln976Arg; replaces glutamine 976 with arginine.
Molecular consequence: missense variant.
Genome position (GRCh38, 1-based): chr4:105,236,869, A>G. VCF-style: chr4-105236869-A-G. GRCh37 (hg19) VCF-style: chr4-106158026-A-G.
Other names: c.2927A>G, p.Gln976Arg (NM_017628.4); short protein forms Q976R.
Identifiers: ClinVar variation 5030780 (VCV005030780.1).